The following is an entry in ClinVar:

NM_001374736.1(DST):c.4370T>C (p.Met1457Thr)

Gene: DST (dystonin; minus strand). Cytogenetic location: 6p12.1.
Variant type: single nucleotide variant.
Coding change: c.4370T>C on transcript NM_001374736.1 (MANE Select); coding-DNA position 4370, T replaced by C.
Protein change: p.Met1457Thr; replaces methionine 1457 with threonine.
Molecular consequence: missense variant.
Genome position (GRCh38, 1-based): chr6:56,629,355, A>G on the plus strand (T>C on the coding strand, the complement: DST is on the minus strand). VCF-style: chr6-56629355-A-G. GRCh37 (hg19) VCF-style: chr6-56494153-A-G.
Other names: c.4271T>C, p.Met1424Thr (NM_001144769.5); c.3857T>C, p.Met1286Thr (NM_001144770.2); c.4370T>C, p.Met1457Thr (NM_001374722.1); c.3737T>C, p.Met1246Thr (NM_001374729.1, NM_001374730.1, NM_001386100.1 and 1 more transcripts); c.4397T>C, p.Met1466Thr (NM_001374734.1); c.2759T>C, p.Met920Thr (NM_001723.7, NM_015548.5); short protein forms M1286T, M1457T, M1466T, M1246T, M920T, M1424T.
Identifiers: ClinVar variation 2115113 (VCV002115113.4), dbSNP rs201649948, ClinGen allele CA139215017.

ClinVar aggregate classification (germline): Uncertain significance (1 of 4 stars; one submission).

Conditions:
Hereditary sensory and autonomic neuropathy type 6. Also called: HSAN VI; Neuropathy, hereditary sensory and autonomic, type VI. Identifiers: Orphanet 314381, MedGen C3539003, MONDO:0013839, OMIM 614653.
Epidermolysis bullosa simplex 3, localized or generalized intermediate, with BP230 deficiency (EBS3). Also called: Epidermolysis bullosa simplex, autosomal recessive 2; Epidermolysis bullosa simplex due to BP230 deficiency. Identifiers: Orphanet 412181, MedGen C3809470, MONDO:0014180, OMIM 615425.

Allele frequency attached by ClinVar (database versions not stated): gnomAD exomes below 0.00001; gnomAD 0.00001; 1000 Genomes Project 30x 0.00016; 1000 Genomes Project 0.00020.

Submission:

Labcorp Genetics (formerly Invitae), Labcorp
Classification: Uncertain significance for Epidermolysis bullosa simplex 3, localized or generalized intermediate, with BP230 deficiency; Hereditary sensory and autonomic neuropathy type 6. Last evaluated: 2022-03-20. Review status: criteria provided, single submitter. Criteria: Invitae Variant Classification Sherloc (09022015). Collection method: clinical testing. Allele origin: germline.
Comment: Algorithms developed to predict the effect of missense changes on protein structure and function (SIFT, PolyPhen-2, Align-GVGD) all suggest that this variant is likely to be disruptive. In summary, the available evidence is currently insufficient to determine the role of this variant in disease. Therefore, it has been classified as a Variant of Uncertain Significance. This variant has not been reported in the literature in individuals affected with DST-related conditions. This variant is not present in population databases (gnomAD no frequency). This sequence change replaces methionine, which is neutral and non-polar, with threonine, which is neutral and polar, at codon 920 of the DST protein (p.Met920Thr).